The following is an entry in ClinVar:

NC_000012.11:g.(?_48368049)_(48371518_?)del

Gene: COL2A1 (collagen type II alpha 1 chain; minus strand). Cytogenetic location: 12q13.11.
Variant type: Deletion.
Identifiers: ClinVar variation 1457974 (VCV001457974.4).

ClinVar aggregate classification (germline): Pathogenic (1 of 4 stars; one submission).

Submission:

Labcorp Genetics (formerly Invitae), Labcorp
Classification: Pathogenic. Last evaluated: 2021-04-22. Review status: criteria provided, single submitter. Criteria: Invitae Variant Classification Sherloc (09022015). Collection method: clinical testing. Allele origin: germline.
Comment: For these reasons, this variant has been classified as Pathogenic. This variant disrupts the triple helix domain of COL2A1. Glycine residues within the Gly-Xaa-Yaa repeats of the triple helix domain are required for the structure and stability of fibrillar collagens (PMID: 7695699, 8218237, 19344236). In COL2A1, variants affecting these glycine residues are significantly enriched in individuals with disease (PMID: 9016532, 17078022) compared to the general population (ExAC). This variant has not been reported in the literature in individuals with COL2A1-related conditions. This variant results in the deletion of exon(s) 45-52 and part of exon 53 (c.3112-82_4140del) of the COL2A1 gene. It is expected to disrupt RNA splicing. Variants that disrupt the donor or acceptor splice site typically lead to a loss of protein function (PMID: 16199547), and loss-of-function variants in COL2A1 are known to be pathogenic (PMID: 20179744).

Literature cited by the submitters: PubMed 7695699; PubMed 8218237; PubMed 19344236; PubMed 9016532; PubMed 17078022; PubMed 16199547; PubMed 20179744.